The following is an entry in ClinVar:

ClinVar aggregate classification (germline): Uncertain significance (1 of 4 stars; one submission).

Submission:

Labcorp Genetics (formerly Invitae), Labcorp
Classification: Uncertain significance. Last evaluated: 2023-12-25. Review status: criteria provided, single submitter. Criteria: Invitae Variant Classification Sherloc (09022015). Collection method: clinical testing. Allele origin: germline.
Comment: This sequence change replaces leucine, which is neutral and non-polar, with proline, which is neutral and non-polar, at codon 505 of the MICAL1 protein (p.Leu505Pro). This variant is not present in population databases (gnomAD no frequency). This variant has not been reported in the literature in individuals affected with MICAL1-related conditions. An algorithm developed to predict the effect of missense changes on protein structure and function (PolyPhen-2) suggests that this variant is likely to be tolerated. In summary, the available evidence is currently insufficient to determine the role of this variant in disease. Therefore, it has been classified as a Variant of Uncertain Significance.

NM_022765.4(MICAL1):c.1457T>C (p.Leu486Pro)

Gene: MICAL1 (microtubule associated monooxygenase, calponin and LIM domain containing 1; minus strand). Cytogenetic location: 6q21.
Variant type: single nucleotide variant.
Coding change: c.1457T>C on transcript NM_022765.4 (MANE Select); coding-DNA position 1457, T replaced by C.
Protein change: p.Leu486Pro; replaces leucine 486 with proline.
Molecular consequence: missense variant.
Genome position (GRCh38, 1-based): chr6:109,449,459, A>G on the plus strand (T>C on the coding strand, the complement: MICAL1 is on the minus strand). VCF-style: chr6-109449459-A-G. GRCh37 (hg19) VCF-style: chr6-109770662-A-G.
Other names: c.1199T>C, p.Leu400Pro (NM_001159291.2); c.1514T>C, p.Leu505Pro (NM_001286613.2); short protein forms L486P, L505P, L400P.
Identifiers: ClinVar variation 2858776 (VCV002858776.3), dbSNP rs1775414292, ClinGen allele CA365229801.